The following is an entry in ClinVar:

ClinVar aggregate classification (germline): Uncertain significance (1 of 4 stars; one submission).

Allele frequency attached by ClinVar (database versions not stated): ExAC 0.00001; gnomAD exomes 0.00001.
gnomAD v4.1: 8 of 1,614,142 alleles (0.0005%); highest among the groups gnomAD compares: Non-Finnish European, 0.00068%; no homozygotes.

Submission:

Labcorp Genetics (formerly Invitae), Labcorp
Classification: Uncertain significance. Last evaluated: 2022-08-19. Review status: criteria provided, single submitter. Criteria: Invitae Variant Classification Sherloc (09022015). Collection method: clinical testing. Allele origin: germline.
Comment: In summary, the available evidence is currently insufficient to determine the role of this variant in disease. Therefore, it has been classified as a Variant of Uncertain Significance. Advanced modeling of protein sequence and biophysical properties (such as structural, functional, and spatial information, amino acid conservation, physicochemical variation, residue mobility, and thermodynamic stability) performed at Invitae indicates that this missense variant is not expected to disrupt GFM1 protein function. This variant has not been reported in the literature in individuals affected with GFM1-related conditions. This variant is present in population databases (rs759213430, gnomAD 0.002%). This sequence change replaces arginine, which is basic and polar, with glycine, which is neutral and non-polar, at codon 136 of the GFM1 protein (p.Arg136Gly).

NM_024996.7(GFM1):c.406A>G (p.Arg136Gly)

Gene: GFM1 (G elongation factor mitochondrial 1; plus strand). Cytogenetic location: 3q25.32.
Variant type: single nucleotide variant.
Coding change: c.406A>G on transcript NM_024996.7 (MANE Select); coding-DNA position 406, A replaced by G.
Protein change: p.Arg136Gly; replaces arginine 136 with glycine.
Molecular consequence: missense variant. On other transcripts: non-coding transcript variant (3), intron variant (4).
Genome position (GRCh38, 1-based): chr3:158,646,781, A>G. VCF-style: chr3-158646781-A-G. GRCh37 (hg19) VCF-style: chr3-158364570-A-G.
Other names: c.406A>G, p.Arg136Gly (NM_001308164.2, NM_001308166.2, NM_001374355.1 and 1 more transcripts); c.181A>G, p.Arg61Gly (NM_001374357.1); c.5+1000A>G (NM_001374359.1, NM_001374360.1, NM_001374361.1); c.234+1000A>G (NM_001374358.1); short protein forms R61G, R136G.
Identifiers: ClinVar variation 2085073 (VCV002085073.4), dbSNP rs759213430, ClinGen allele CA2682325.